The following is an entry in ClinVar:

NM_007347.5(AP4E1):c.3033G>T (p.Met1011Ile)

Gene: AP4E1 (adaptor related protein complex 4 subunit epsilon 1; plus strand). Cytogenetic location: 15q21.2.
Variant type: single nucleotide variant.
Coding change: c.3033G>T on transcript NM_007347.5 (MANE Select); coding-DNA position 3033, G replaced by T.
Protein change: p.Met1011Ile; replaces methionine 1011 with isoleucine.
Molecular consequence: missense variant.
Genome position (GRCh38, 1-based): chr15:50,999,200, G>T. VCF-style: chr15-50999200-G-T. GRCh37 (hg19) VCF-style: chr15-51291397-G-T.
Other names: c.3033G>T (NM_007347.3); c.2808G>T, p.Met936Ile (NM_001252127.2); short protein forms M1011I, M936I.
Identifiers: ClinVar variation 1445253 (VCV001445253.5), dbSNP rs199619418, ClinGen allele CA392421682.

ClinVar aggregate classification (germline): Uncertain significance. Review status: criteria provided, multiple submitters, no conflicts (2 of 4 stars). 3 submissions from 3 submitters: Uncertain significance (3). Last evaluated 2024-11-25.

Conditions:
Inborn genetic diseases. Identifiers: MedGen C0950123, MeSH D030342.
Spastic paraplegia. Identifiers: MedGen C0037772, HP:0001258.

Submissions (3):

Ambry Genetics
Classification: Uncertain significance for Inborn genetic diseases. Last evaluated: 2024-11-25. Review status: criteria provided, single submitter. Criteria: Ambry Variant Classification Scheme 2023. Collection method: clinical testing. Allele origin: germline.

Blueprint Genetics
Classification: Uncertain significance. Last evaluated: 2024-04-02. Review status: criteria provided, single submitter. Criteria: ACMG Guidelines, 2015. Collection method: clinical testing. Allele origin: germline.

Labcorp Genetics (formerly Invitae), Labcorp
Classification: Uncertain significance for Spastic paraplegia. Last evaluated: 2022-08-16. Review status: criteria provided, single submitter. Criteria: Invitae Variant Classification Sherloc (09022015). Collection method: clinical testing. Allele origin: germline.
Comment: This sequence change replaces methionine, which is neutral and non-polar, with isoleucine, which is neutral and non-polar, at codon 1011 of the AP4E1 protein (p.Met1011Ile). This variant is present in population databases (no rsID available, gnomAD 0.003%). This variant has not been reported in the literature in individuals affected with AP4E1-related conditions. ClinVar contains an entry for this variant (Variation ID: 1445253). Algorithms developed to predict the effect of missense changes on protein structure and function (SIFT, PolyPhen-2, Align-GVGD) all suggest that this variant is likely to be tolerated. In summary, the available evidence is currently insufficient to determine the role of this variant in disease. Therefore, it has been classified as a Variant of Uncertain Significance.